The following is an entry in ClinVar:

ClinVar aggregate classification (germline): Conflicting classifications of pathogenicity. Review status: criteria provided, conflicting classifications (1 of 4 stars). 5 submissions from 5 submitters: Uncertain significance (3); Likely benign (2). Last evaluated 2025-12-01.

Conditions:
PLEC-related disorder. Also called: PLEC-related condition; PLEC-related disorders.
Epidermolysis bullosa simplex 5B, with muscular dystrophy (EBS5B). Also called: Epidermolysis bullosa simplex with muscular dystrophy; EPIDERMOLYSIS BULLOSA SIMPLEX AND LIMB-GIRDLE MUSCULAR DYSTROPHY. Identifiers: Orphanet 257, MedGen C2931072, MONDO:0009181, OMIM 226670.
Epidermolysis bullosa simplex, Ogna type (EBS5A). Also called: Pidermolysis bullosa simplex 5A, Ogna type; EPIDERMOLYSIS BULLOSA SIMPLEX 5A, OGNA TYPE. Identifiers: Orphanet 79401, MedGen C0432317, MONDO:0007555, OMIM 131950.
Epidermolysis bullosa simplex 5C, with pyloric atresia (EBS5C). Also called: PLEC-Related Epidermolysis Bullosa with Pyloric Atresia; Epidermolysis bullosa simplex with pyloric atresia; PLEC1-Related Epidermolysis Bullosa with Pyloric Atresia. Identifiers: Orphanet 158684, MedGen C2677349, MONDO:0012807, OMIM 612138.
Epidermolysis bullosa simplex with nail dystrophy (EBS5D). Identifiers: MedGen C4225309, MONDO:0014661, OMIM 616487.
Autosomal recessive limb-girdle muscular dystrophy type 2Q (LGMDR17). Also called: MUSCULAR DYSTROPHY, LIMB-GIRDLE, AUTOSOMAL RECESSIVE 17. Identifiers: Orphanet 254361, MedGen C3150989, MONDO:0013390, OMIM 613723.
Inborn genetic diseases. Identifiers: MedGen C0950123, MeSH D030342.

Allele frequency attached by ClinVar (database versions not stated): TOPMed 0.00013; ExAC 0.00017; gnomAD exomes 0.00036; gnomAD 0.00004.
gnomAD v4.1: 73 of 1,547,088 alleles (0.0047%); highest among the groups gnomAD compares: East Asian, 0.13%; no homozygotes.

Submissions (5):

Labcorp Genetics (formerly Invitae), Labcorp
Classification: Likely benign for Autosomal recessive limb-girdle muscular dystrophy type 2Q; Epidermolysis bullosa simplex, Ogna type; Epidermolysis bullosa simplex with nail dystrophy; Epidermolysis bullosa simplex 5C, with pyloric atresia; Epidermolysis bullosa simplex 5B, with muscular dystrophy. Last evaluated: 2025-12-01. Review status: criteria provided, single submitter. Criteria: Invitae Variant Classification Sherloc (09022015). Collection method: clinical testing. Allele origin: germline.

PreventionGenetics, part of Exact Sciences
Classification: Likely benign for PLEC-related condition. Last evaluated: 2025-11-29. Review status: criteria provided, single submitter. Criteria: ACMG Guidelines, 2015. Collection method: clinical testing. Allele origin: germline.
Comment: This variant is classified as likely benign based on ACMG/AMP sequence variant interpretation guidelines (Richards et al. 2015 PMID: 25741868, with internal and published modifications).

CeGaT Center for Human Genetics Tuebingen
Classification: Uncertain significance. Last evaluated: 2023-11-01. Review status: criteria provided, single submitter. Criteria: CeGaT Center For Human Genetics Tuebingen Variant Classification Criteria Version 2. Collection method: clinical testing. Allele origin: germline. Affected: yes. Observed: 1 variant allele.

Mayo Clinic Laboratories, Mayo Clinic
Classification: Uncertain significance. Last evaluated: 2023-06-16. Review status: criteria provided, single submitter. Criteria: ACMG Guidelines, 2015. Collection method: clinical testing. Allele origin: germline. Observed: 1 variant allele.

Ambry Genetics
Classification: Uncertain significance for Inborn genetic diseases. Last evaluated: 2023-05-31. Review status: criteria provided, single submitter. Criteria: Ambry Variant Classification Scheme 2023. Collection method: clinical testing. Allele origin: germline.

NM_201384.3(PLEC):c.13574C>T (p.Ser4525Leu)

Gene: PLEC (plectin; minus strand). Cytogenetic location: 8q24.3.
Variant type: single nucleotide variant.
Coding change: c.13574C>T on transcript NM_201384.3 (MANE Select); coding-DNA position 13574, C replaced by T.
Protein change: p.Ser4525Leu; replaces serine 4525 with leucine.
Molecular consequence: missense variant.
Genome position (GRCh38, 1-based): chr8:143,916,247, G>A on the plus strand (C>T on the coding strand, the complement: PLEC is on the minus strand). VCF-style: chr8-143916247-G-A. GRCh37 (hg19) VCF-style: chr8-144990415-G-A.
Other names: p.Ser4552Leu; c.13655C>T (NM_000445.3); c.13655C>T, p.Ser4552Leu (NM_000445.5); c.13532C>T, p.Ser4511Leu (NM_201378.4); c.13508C>T, p.Ser4503Leu (NM_201379.3); c.13985C>T, p.Ser4662Leu (NM_201380.4); c.13478C>T, p.Ser4493Leu (NM_201381.3); c.13574C>T, p.Ser4525Leu (NM_201382.4); and 1 more; short protein forms S4503L, S4511L, S4529L, S4493L, S4552L, S4662L, S4525L.
Identifiers: ClinVar variation 779769 (VCV000779769.37), dbSNP rs368507062, ClinGen allele CA4923756.